The following is an entry in ClinVar:

NM_001040142.2(SCN2A):c.5760C>T (p.Leu1920=)

Gene: SCN2A (sodium voltage-gated channel alpha subunit 2; plus strand). Cytogenetic location: 2q24.3.
Variant type: single nucleotide variant.
Coding change: c.5760C>T on transcript NM_001040142.2 (MANE Select); coding-DNA position 5760, C replaced by T.
Protein change: p.Leu1920=; no amino-acid change (leucine 1920 retained).
Molecular consequence: synonymous variant.
Genome position (GRCh38, 1-based): chr2:165,389,566, C>T. VCF-style: chr2-165389566-C-T. GRCh37 (hg19) VCF-style: chr2-166246076-C-T.
Other names: c.5760C>T, p.Leu1920= (NM_001040143.2, NM_001371246.1, NM_001371247.1 and 1 more transcripts).
Identifiers: ClinVar variation 464918 (VCV000464918.38), dbSNP rs1449263336, ClinGen allele CA429973041.
Genomic context (GRCh38, chr2:165,389,566, plus strand): 5'-GAAACGCAAACAAGAGGAGGTGTCTGCTATTATTATCCAGAGGGCTTACAGACGCTACCT[C>T]TTGAAGCAAAAAGTTAAAAAGGTATCAAGTATATACAAGAAAGACAAAGGCAAAGAATGT-3'
Protein context (NP_001035232.1, residues 1910-1930): IIIQRAYRRY[Leu1920=]LKQKVKKVSS

ClinVar aggregate classification (germline): Likely benign. Review status: criteria provided, multiple submitters, no conflicts (2 of 4 stars). 4 submissions from 4 submitters: Likely benign (4). Last evaluated 2025-11-15.

Conditions:
Developmental and epileptic encephalopathy, 11 (DEE11). Also called: Early infantile epileptic encephalopathy 11. Identifiers: Orphanet 1934, MedGen C3150987, MONDO:0013388, OMIM 613721.
Seizures, benign familial infantile, 3 (BFIS3). Also called: Familial neonatal seizures; CONVULSIONS, BENIGN FAMILIAL INFANTILE, 3. Identifiers: Orphanet 140927, Orphanet 306, MedGen C1843140, MONDO:0011904, OMIM 607745.

Allele frequency attached by ClinVar (database versions not stated): gnomAD exomes below 0.00001 and 0.00001; TOPMed 0.00002; gnomAD 0.00003.
gnomAD v4.1: 19 of 1,613,726 alleles (0.0012%); highest among the groups gnomAD compares: Admixed American, 0.005%; no homozygotes.

Submissions (4):

Labcorp Genetics (formerly Invitae), Labcorp
Classification: Likely benign for Seizures, benign familial infantile, 3; Developmental and epileptic encephalopathy, 11. Last evaluated: 2025-11-15. Review status: criteria provided, single submitter. Criteria: Invitae Variant Classification Sherloc (09022015). Collection method: clinical testing. Allele origin: germline.

Women's Health and Genetics/Laboratory Corporation of America, LabCorp
Classification: Likely benign. Last evaluated: 2024-10-04. Review status: criteria provided, single submitter. Criteria: LabCorp Variant Classification Summary - May 2015. Collection method: clinical testing. Allele origin: germline.

CeGaT Center for Human Genetics Tuebingen
Classification: Likely benign. Last evaluated: 2023-01-01. Review status: criteria provided, single submitter. Criteria: CeGaT Center For Human Genetics Tuebingen Variant Classification Criteria Version 2. Collection method: clinical testing. Allele origin: germline. Affected: yes. Observed: 1 variant allele.
Comment: SCN2A: BP4

Athena Diagnostics
Classification: Likely benign. Last evaluated: 2019-06-06. Review status: criteria provided, single submitter. Criteria: Athena Diagnostics Criteria. Collection method: clinical testing. Allele origin: germline.